The following is an entry in ClinVar:

ClinVar aggregate classification (germline): Pathogenic (1 of 4 stars; one submission).

Conditions:
Familial cancer of breast. Also called: hereditary breast carcinoma; BREAST CANCER, FAMILIAL; Hereditary breast cancer. Identifiers: Orphanet 227535, MedGen C0346153, MONDO:0016419, OMIM 114480. Disease mechanism: loss of function.

Submission:

Labcorp Genetics (formerly Invitae), Labcorp
Classification: Pathogenic for Familial cancer of breast. Last evaluated: 2025-08-05. Review status: criteria provided, single submitter. Criteria: Invitae Variant Classification Sherloc (09022015). Collection method: clinical testing. Allele origin: germline.
Comment: This sequence change creates a premature translational stop signal (p.Tyr298Leufs*6) in the CHEK2 gene. It is expected to result in an absent or disrupted protein product. Loss-of-function variants in CHEK2 are known to be pathogenic (PMID: 21876083, 24713400). This variant is not present in population databases (gnomAD no frequency). This variant has not been reported in the literature in individuals affected with CHEK2-related conditions. For these reasons, this variant has been classified as Pathogenic.

Literature cited by the submitters: PubMed 21876083; PubMed 24713400.

NM_007194.4(CHEK2):c.893del (p.Tyr298fs)

Gene: CHEK2 (checkpoint kinase 2; minus strand). Cytogenetic location: 22q12.1.
Variant type: Deletion.
Coding change: c.893del on transcript NM_007194.4 (MANE Select); coding-DNA position 893, one base deleted (A; older notation c.893delA).
Protein change: p.Tyr298fs; shifts the reading frame from tyrosine 298.
Molecular consequence: frameshift variant.
Genome position (GRCh38, 1-based): chr22:28,703,520, T deleted on the plus strand (A on the coding strand, the reverse complement: CHEK2 is on the minus strand). VCF-style (leftmost placement, unchanged base first): chr22-28703519-AT-A. GRCh37 (hg19) VCF-style: chr22-29099507-AT-A.
Other names: c.1022del, p.Tyr341fs (NM_001005735.3, NM_001438294.1); c.230del, p.Tyr77fs (NM_001257387.3, NM_001437942.1); c.692del, p.Tyr231fs (NM_001349956.3); c.986del, p.Tyr329fs (NM_001438293.1, NM_001438295.1); c.893del, p.Tyr298fs (NM_145862.3); short protein forms Y341fs, Y231fs, Y77fs, Y329fs, Y298fs.
Identifiers: ClinVar variation 4724625 (VCV004724625.1).
Genomic context (GRCh38, chr22:28,703,519, plus strand): 5'-AAGCATTTGAATGGAAACAGAAATTTTTAAAAAGTTTACTACTTACAATTCCAAAACAAT[AT>A]AATAATCTTCTGCATCAAAAAAGTTTTTAATCTTGATGATGCAAGGCTAAGAAGAGGGGG-3'